The following is an entry in ClinVar:

NC_000023.10:g.(?_18675740)_(18675805_?)del

Gene: RS1 (retinoschisin 1; minus strand). Cytogenetic location: Xp22.13.
Variant type: Deletion.
Identifiers: ClinVar variation 1076979 (VCV001076979.6).

ClinVar aggregate classification (germline): Pathogenic (1 of 4 stars; one submission).

Submission:

Labcorp Genetics (formerly Invitae), Labcorp
Classification: Pathogenic. Last evaluated: 2023-08-24. Review status: criteria provided, single submitter. Criteria: Invitae Variant Classification Sherloc (09022015). Collection method: clinical testing. Allele origin: germline.
Comment: This variant is a gross deletion of the genomic region encompassing exon(s) 2 of the RS1 gene. This deletion is out-of-frame, and is expected to create a premature termination codon and result in an absent or disrupted protein product. Loss-of-function variants in RS1 are known to be pathogenic (PMID: 9618178, 17172462). For these reasons, this variant has been classified as Pathogenic. A similar copy number variant has been observed in individuals with clinical features of X-linked juvenile retinoschisis (PMID: 22382802, 27997221, 29902095). It has also been observed to segregate with disease in related individuals.

Literature cited by the submitters: PubMed 9618178; PubMed 17172462; PubMed 22382802; PubMed 27997221; PubMed 29902095.